The following is an entry in ClinVar:

NM_000059.4(BRCA2):c.7907del (p.Cys2636fs)

Gene: BRCA2 (BRCA2 DNA repair associated; plus strand). Cytogenetic location: 13q13.1.
Variant type: Deletion.
Coding change: c.7907del on transcript NM_000059.4 (MANE Select); coding-DNA position 7907, one base deleted (G; older notation c.7907delG).
Protein change: p.Cys2636fs; shifts the reading frame from cysteine 2636.
Molecular consequence: frameshift variant.
Genome position (GRCh38, 1-based): chr13:32,362,624, G deleted. VCF-style (leftmost placement, unchanged base first): chr13-32362623-TG-T. GRCh37 (hg19) VCF-style: chr13-32936760-TG-T.
Other names: c.7811delG, p.Cys2604Leufs (NM_001406719.1); c.7907delG, p.Cys2636Leufs (NM_001406720.1); c.2975delG, p.Cys992Leufs (NM_001406721.1); c.1490delG, p.Cys497Leufs (NM_001406722.1); short protein forms C2636fs.
Identifiers: ClinVar variation 1761157 (VCV001761157.2), dbSNP rs2548545515, ClinGen allele CA2580087412.
Genomic context (GRCh38, chr13:32,362,623, plus strand): 5'-TCTAGAATTTGGGTTTATAATCACTATAGATGGATCATATGGAAACTGGCAGCTATGGAA[TG>T]TGCCTTTCCTAAGGAATTTGCTAATAGATGCCTAAGCCCAGAAAGGGTGCTTCTTCAACT-3'

ClinVar aggregate classification (germline): Pathogenic (1 of 4 stars; one submission).

Conditions:
Hereditary cancer-predisposing syndrome. Also called: Neoplastic Syndromes, Hereditary; Tumor predisposition; Hereditary Cancer Syndrome; Hereditary neoplastic syndrome. Identifiers: Orphanet 140162, MedGen C0027672, MeSH D009386, MONDO:0015356.

Submission:

Ambry Genetics
Classification: Pathogenic for Hereditary cancer-predisposing syndrome. Last evaluated: 2020-03-30. Review status: criteria provided, single submitter. Criteria: Ambry Variant Classification Scheme 2023. Collection method: clinical testing. Allele origin: germline.
Comment: The c.7907delG pathogenic mutation, located in coding exon 16 of the BRCA2 gene, results from a deletion of one nucleotide at nucleotide position 7907 causing a translational frameshift with a predicted alternate stop codon (p.C2636Lfs*12). This alteration is expected to result in loss of function by premature protein truncation or nonsense-mediated mRNA decay. As such, this alteration is interpreted as a disease-causing mutation.